The following is an entry in ClinVar:

ClinVar aggregate classification (germline): Likely benign. Review status: criteria provided, multiple submitters, no conflicts (2 of 4 stars). 5 submissions from 5 submitters: Likely benign (5). Last evaluated 2026-01-16.

Conditions:
Muscular dystrophy-dystroglycanopathy (congenital with brain and eye anomalies), type a, 12 (MDDGA12). Also called: WALKER-WARBURG SYNDROME OR MUSCLE-EYE-BRAIN DISEASE, POMK-RELATED. Identifiers: Orphanet 899, MedGen C3808964, MONDO:0014101, OMIM 615249.
Limb-girdle muscular dystrophy due to POMK deficiency. Also called: MUSCULAR DYSTROPHY-DYSTROGLYCANOPATHY, LIMB-GIRDLE, POMK-RELATED; Muscular dystrophy-dystroglycanopathy (limb-girdle), type c, 12. Identifiers: Orphanet 445110, MedGen C4015184, MONDO:0014489, OMIM 616094.
POMK-related disorder. Also called: POMK-related condition.

Allele frequency attached by ClinVar (database versions not stated): 1000 Genomes Project 30x 0.00016; 1000 Genomes Project 0.00020; gnomAD 0.00020 and 0.00021; TOPMed 0.00020; gnomAD exomes 0.00022 and 0.00031; ExAC 0.00031.
gnomAD v4.1: 353 of 1,614,132 alleles (0.022%); highest among the groups gnomAD compares: Middle Eastern, 0.12%; 1 homozygote.

Submissions (5):

PreventionGenetics, part of Exact Sciences
Classification: Likely benign for POMK-related condition. Last evaluated: 2026-01-16. Review status: criteria provided, single submitter. Criteria: ACMG Guidelines, 2015. Collection method: clinical testing. Allele origin: germline.
Comment: This variant is classified as likely benign based on ACMG/AMP sequence variant interpretation guidelines (Richards et al. 2015 PMID: 25741868, with internal and published modifications).

Labcorp Genetics (formerly Invitae), Labcorp
Classification: Likely benign for Muscular dystrophy-dystroglycanopathy (congenital with brain and eye anomalies), type a, 12; Limb-girdle muscular dystrophy due to POMK deficiency. Last evaluated: 2025-10-01. Review status: criteria provided, single submitter. Criteria: Invitae Variant Classification Sherloc (09022015). Collection method: clinical testing. Allele origin: germline.

CeGaT Center for Human Genetics Tuebingen
Classification: Likely benign. Last evaluated: 2024-12-01. Review status: criteria provided, single submitter. Criteria: CeGaT Center For Human Genetics Tuebingen Variant Classification Criteria Version 2. Collection method: clinical testing. Allele origin: germline. Affected: yes. Observed: 1 variant allele.
Comment: POMK: BP4, BP7

Blueprint Genetics
Classification: Likely benign. Last evaluated: 2024-10-25. Review status: criteria provided, single submitter. Criteria: ACMG Guidelines, 2015. Collection method: clinical testing. Allele origin: germline.

Breakthrough Genomics
Classification: Likely benign. Review status: criteria provided, single submitter. Criteria: ACMG Guidelines, 2015. Collection method: not provided. Allele origin: germline. Inheritance: Autosomal recessive inheritance. Affected: yes.

NM_032237.5(POMK):c.609C>T (p.Cys203=)

Gene: POMK (protein O-mannose kinase; plus strand). Cytogenetic location: 8p11.21.
Variant type: single nucleotide variant.
Coding change: c.609C>T on transcript NM_032237.5 (MANE Select); coding-DNA position 609, C replaced by T.
Protein change: p.Cys203=; no amino-acid change (cysteine 203 retained).
Molecular consequence: synonymous variant.
Genome position (GRCh38, 1-based): chr8:43,122,433, C>T. VCF-style: chr8-43122433-C-T. GRCh37 (hg19) VCF-style: chr8-42977576-C-T.
Other names: c.609C>T, p.Cys203= (NM_001277971.2).
Identifiers: ClinVar variation 541243 (VCV000541243.27), dbSNP rs567303957, ClinGen allele CA4736317.